The following is an entry in ClinVar:

NM_001166114.2(PNPLA6):c.1253-3C>A

Gene: PNPLA6 (patatin like domain 6, lysophospholipase; plus strand). Cytogenetic location: 19p13.2.
Variant type: single nucleotide variant.
Coding change: c.1253-3C>A on transcript NM_001166114.2 (MANE Select); 3 bases into the intron before coding-DNA position 1253, C replaced by A.
Molecular consequence: intron variant.
Genome position (GRCh38, 1-based): chr19:7,542,558, C>A. VCF-style: chr19-7542558-C-A. GRCh37 (hg19) VCF-style: chr19-7607444-C-A.
Other names: c.1136-3C>A (NM_006702.5, NM_001166112.2, NM_001166113.1); c.1280-3C>A (NM_001166111.2).
Identifiers: ClinVar variation 1979004 (VCV001979004.4), dbSNP rs2023200621, ClinGen allele CA2320970098.

ClinVar aggregate classification (germline): Uncertain significance (1 of 4 stars; one submission).

Conditions:
Hereditary spastic paraplegia 39 (SPG39). Also called: SPASTIC PARAPLEGIA 39, AUTOSOMAL RECESSIVE; Spastic Paraplegia Type 39 (SPG39). Identifiers: Orphanet 139480, MedGen C2677586, MONDO:0012787, OMIM 612020.

Allele frequency attached by ClinVar (database versions not stated): TOPMed below 0.00001.

Submission:

Labcorp Genetics (formerly Invitae), Labcorp
Classification: Uncertain significance for Hereditary spastic paraplegia 39. Last evaluated: 2023-10-03. Review status: criteria provided, single submitter. Criteria: Invitae Variant Classification Sherloc (09022015). Collection method: clinical testing. Allele origin: germline.
Comment: This sequence change falls in intron 13 of the PNPLA6 gene. It does not directly change the encoded amino acid sequence of the PNPLA6 protein. It affects a nucleotide within the consensus splice site. This variant is not present in population databases (gnomAD no frequency). This variant has not been reported in the literature in individuals affected with PNPLA6-related conditions. ClinVar contains an entry for this variant (Variation ID: 1979004). Variants that disrupt the consensus splice site are a relatively common cause of aberrant splicing (PMID: 17576681, 9536098). Algorithms developed to predict the effect of sequence changes on RNA splicing suggest that this variant is not likely to affect RNA splicing. In summary, the available evidence is currently insufficient to determine the role of this variant in disease. Therefore, it has been classified as a Variant of Uncertain Significance.

Literature cited by the submitters: PubMed 17576681; PubMed 9536098.